The following is an entry in ClinVar:

ClinVar aggregate classification (germline): Uncertain significance (1 of 4 stars; one submission).

Submission:

Labcorp Genetics (formerly Invitae), Labcorp
Classification: Uncertain significance. Last evaluated: 2024-06-25. Review status: criteria provided, single submitter. Criteria: Invitae Variant Classification Sherloc (09022015). Collection method: clinical testing. Allele origin: germline.
Comment: This sequence change replaces glutamic acid, which is acidic and polar, with lysine, which is basic and polar, at codon 959 of the MYH3 protein (p.Glu959Lys). This variant is not present in population databases (gnomAD no frequency). This variant has not been reported in the literature in individuals affected with MYH3-related conditions. Advanced modeling of protein sequence and biophysical properties (such as structural, functional, and spatial information, amino acid conservation, physicochemical variation, residue mobility, and thermodynamic stability) has been performed at Invitae for this missense variant, however the output from this modeling did not meet the statistical confidence thresholds required to predict the impact of this variant on MYH3 protein function. In summary, the available evidence is currently insufficient to determine the role of this variant in disease. Therefore, it has been classified as a Variant of Uncertain Significance.

NM_002470.4(MYH3):c.2875G>A (p.Glu959Lys)

Gene: MYH3 (myosin heavy chain 3; minus strand). Cytogenetic location: 17p13.1.
Variant type: single nucleotide variant.
Coding change: c.2875G>A on transcript NM_002470.4 (MANE Select); coding-DNA position 2875, G replaced by A.
Protein change: p.Glu959Lys; replaces glutamic acid 959 with lysine.
Molecular consequence: missense variant.
Genome position (GRCh38, 1-based): chr17:10,639,610, C>T on the plus strand (G>A on the coding strand, the complement: MYH3 is on the minus strand). VCF-style: chr17-10639610-C-T. GRCh37 (hg19) VCF-style: chr17-10542927-C-T.
Other names: short protein forms E959K.
Identifiers: ClinVar variation 3634449 (VCV003634449.2).
Genomic context (GRCh38, chr17:10,639,610, plus strand): 5'-ATAAGAATACCTTGTTCTCTGTGGCATGCTTCTCCTTCTCAACCTTGGCCAGGGTCAACT[C>T]AAGGTCATCAATGTCTTTCTTGAGCTCTGAGCATTCATCCTCCAGTTTCCTCTTCTTGGC-3'
Protein context (NP_002461.2, residues 949-969): SELKKDIDDL[Glu959Lys]LTLAKVEKEK